The following is an entry in ClinVar:

ClinVar aggregate classification (germline): Uncertain significance. Review status: criteria provided, multiple submitters, no conflicts (2 of 4 stars). 2 submissions from 2 submitters: Uncertain significance (2). Last evaluated 2025-05-14.

Allele frequency attached by ClinVar (database versions not stated): gnomAD 0.00001.
gnomAD v4.1: 1 of 1,210,650 alleles (0.000083%); highest among the groups gnomAD compares: Non-Finnish European, 0.00011%; no homozygotes.

Submissions (2):

GeneDx
Classification: Uncertain significance. Last evaluated: 2025-05-14. Review status: criteria provided, single submitter. Criteria: GeneDx Variant Classification Process June 2021. Collection method: clinical testing. Allele origin: germline. Affected: yes.
Comment: Not observed at significant frequency in large population cohorts (gnomAD); In silico analysis suggests that this missense variant does not alter protein structure/function; Has not been previously published as pathogenic or benign to our knowledge

CeGaT Center for Human Genetics Tuebingen
Classification: Uncertain significance. Last evaluated: 2022-11-01. Review status: criteria provided, single submitter. Criteria: CeGaT Center For Human Genetics Tuebingen Variant Classification Criteria Version 2. Collection method: clinical testing. Allele origin: germline. Affected: yes. Observed: 1 variant allele.
Comment: KDM5C: PP2

NM_004187.5(KDM5C):c.2179G>A (p.Gly727Ser)

Gene: KDM5C (lysine demethylase 5C; minus strand). Cytogenetic location: Xp11.22.
Variant type: single nucleotide variant.
Coding change: c.2179G>A on transcript NM_004187.5 (MANE Select); coding-DNA position 2179, G replaced by A.
Protein change: p.Gly727Ser; replaces glycine 727 with serine.
Molecular consequence: missense variant. On other transcripts: non-coding transcript variant (3).
Genome position (GRCh38, 1-based): chrX:53,199,041, C>T on the plus strand (G>A on the coding strand, the complement: KDM5C is on the minus strand). VCF-style: chrX-53199041-C-T. GRCh37 (hg19) VCF-style: chrX-53228223-C-T.
Other names: c.2179G>A (NM_004187.2); c.1978G>A, p.Gly660Ser (NM_001146702.2); c.2176G>A, p.Gly726Ser (NM_001282622.3, NM_001353979.2, NM_001353982.2); c.2179G>A, p.Gly727Ser (NM_001353978.3, NM_001353981.2, NM_001353984.2); short protein forms G660S, G726S, G727S.
Identifiers: ClinVar variation 2660592 (VCV002660592.25), dbSNP rs2073059758, ClinGen allele CA413120003.